The following is an entry in ClinVar:

ClinVar aggregate classification (germline): Uncertain significance (1 of 4 stars; one submission).

Conditions:
Autosomal dominant osteopetrosis 2. Also called: Osteopetroses; Marble bones; Albers-Schonberg disease; Osteosclerosis fragilis; Albers-Schönberg osteopetrosis; Albers-Schoenberg disease. Identifiers: Orphanet 53, MedGen C3179239, MONDO:0008156, OMIM 166600.
Hypopigmentation, organomegaly, and delayed myelination and development. Identifiers: MedGen C5203300, MONDO:0032805, OMIM 618541.
Autosomal recessive osteopetrosis. Also called: Autosomal Recessive Osteopetrosis (ARO). Identifiers: Orphanet 667, MedGen C4272578, MONDO:0019026.

Allele frequency attached by ClinVar (database versions not stated): TOPMed below 0.00001; gnomAD 0.00001; gnomAD exomes 0.00001.

Submission:

Labcorp Genetics (formerly Invitae), Labcorp
Classification: Uncertain significance. Last evaluated: 2025-03-31. Review status: criteria provided, single submitter. Criteria: Invitae Variant Classification Sherloc (09022015). Collection method: clinical testing. Allele origin: germline.
Comment: This sequence change replaces valine, which is neutral and non-polar, with methionine, which is neutral and non-polar, at codon 238 of the CLCN7 protein (p.Val238Met). This variant is not present in population databases (gnomAD no frequency). This variant has not been reported in the literature in individuals affected with CLCN7-related conditions. ClinVar contains an entry for this variant (Variation ID: 1516248). An algorithm developed to predict the effect of missense changes on protein structure and function (PolyPhen-2) suggests that this variant is likely to be disruptive. In summary, the available evidence is currently insufficient to determine the role of this variant in disease. Therefore, it has been classified as a Variant of Uncertain Significance.

NM_001287.6(CLCN7):c.712G>A (p.Val238Met)

Gene: CLCN7 (Cl-/H+ antiporter 7; minus strand). Cytogenetic location: 16p13.3.
Variant type: single nucleotide variant.
Coding change: c.712G>A on transcript NM_001287.6 (MANE Select); coding-DNA position 712, G replaced by A.
Protein change: p.Val238Met; replaces valine 238 with methionine.
Molecular consequence: missense variant.
Genome position (GRCh38, 1-based): chr16:1,457,720, C>T on the plus strand (G>A on the coding strand, the complement: CLCN7 is on the minus strand). VCF-style: chr16-1457720-C-T. GRCh37 (hg19) VCF-style: chr16-1507721-C-T.
Other names: c.712G>A (NM_001287.5); c.640G>A, p.Val214Met (NM_001114331.3); short protein forms V214M, V238M.
Identifiers: ClinVar variation 1516248 (VCV001516248.9), dbSNP rs2038859358, ClinGen allele CA394191213.